The following is an entry in ClinVar:

GRCh37/hg19 Xp21.2(chrX:30415814-31186578)x2

Genes: DMD (dystrophin; minus strand), FTHL17 (ferritin heavy chain like 17; minus strand), GK (glycerol kinase; plus strand), TAB3 (TGF-beta activated kinase 1 (MAP3K7) binding protein 3; minus strand), TASL (TLR adaptor interacting with endolysosomal SLC15A4; minus strand). Cytogenetic location: Xp21.2.
Variant type: copy number gain.
Change: copy number 2 of chrX:30,415,814-31,186,578 (770.8 kb, GRCh37 coordinates, 1-based), cytogenetic band Xp21.2.
Identifiers: ClinVar variation 4277345 (VCV004277345.1).

ClinVar aggregate classification (germline): Uncertain significance (1 of 4 stars; one submission).

Submission:

Hunan Provincial Maternal and Child Health Care Hospital
Classification: Uncertain significance. Last evaluated: 2024-07-01. Review status: criteria provided, single submitter. Criteria: ACMG/ClinGen CNV Guidelines, 2019. Collection method: clinical testing. Allele origin: maternal. Inheritance: X-linked recessive inheritance. Affected: no.
Comment: This is a copy-number gain(GRCh37: g.30415814_31186578dup; ~770.8 kb) overlapping the exons 1–5 of the DMD. Without definitive evidence of deleterious gene disruption, and given the variable clinical consequences of duplications in this locus, classification is VUS under ACMG/ClinGen CNV guidance.